The following is an entry in ClinVar:

NM_000238.4(KCNH2):c.2653C>A (p.Arg885Ser)

Gene: KCNH2 (potassium voltage-gated channel subfamily H member 2; minus strand). Cytogenetic location: 7q36.1.
Variant type: single nucleotide variant.
Coding change: c.2653C>A on transcript NM_000238.4 (MANE Select); coding-DNA position 2653, C replaced by A.
Protein change: p.Arg885Ser; replaces arginine 885 with serine.
Molecular consequence: missense variant.
Genome position (GRCh38, 1-based): chr7:150,948,483, G>T on the plus strand (C>A on the coding strand, the complement: KCNH2 is on the minus strand). VCF-style: chr7-150948483-G-T. GRCh37 (hg19) VCF-style: chr7-150645571-G-T.
Other names: c.1633C>A, p.Arg545Ser (NM_172057.3); short protein forms R545S, R885S.
Identifiers: ClinVar variation 1332377 (VCV001332377.12), dbSNP rs143512106, ClinGen allele CA033654.
Genomic context (GRCh38, chr7:150,948,483, plus strand): 5'-TCCTCCCCTCCCCCGCCTCACCCTTGTCCGTGCGCCTGCGGAAGGACAACTTGCGCTTGC[G>T]TTGCCGACTGAAGCCACCCTCTAACTCCGTACTGCCGGGGGAGCCCGGGATCATGTTGGT-3'
Protein context (NP_000229.1, residues 875-895): TELEGGFSRQ[Arg885Ser]KRKLSFRRRT

ClinVar aggregate classification (germline): Uncertain significance. Review status: criteria provided, multiple submitters, no conflicts (2 of 4 stars). 2 submissions from 2 submitters: Uncertain significance (2). Last evaluated 2025-06-09.

Conditions:
Long QT syndrome (LQTS). Identifiers: MedGen C0023976, MeSH D008133, MONDO:0002442. Disease mechanism: loss of function. Inheritance: Various modes of inheritance.
Cardiac arrhythmia. Also called: Cardiac rhythm disease; Arrhythmia. Identifiers: MedGen C0003811, MONDO:0007263, HP:0011675.

gnomAD v4.1: 7 of 1,612,164 alleles (0.00043%); highest among the groups gnomAD compares: Admixed American, 0.0033%; no homozygotes.

Submissions (2):

Labcorp Genetics (formerly Invitae), Labcorp
Classification: Uncertain significance for Long QT syndrome. Last evaluated: 2025-06-09. Review status: criteria provided, single submitter. Criteria: Invitae Variant Classification Sherloc (09022015). Collection method: clinical testing. Allele origin: germline.
Comment: This sequence change replaces arginine, which is basic and polar, with serine, which is neutral and polar, at codon 885 of the KCNH2 protein (p.Arg885Ser). The frequency data for this variant in the population databases is considered unreliable, as metrics indicate poor data quality at this position in the gnomAD database. This variant has not been reported in the literature in individuals affected with KCNH2-related conditions. ClinVar contains an entry for this variant (Variation ID: 1332377). An algorithm developed to predict the effect of missense changes on protein structure and function (PolyPhen-2) suggests that this variant is likely to be disruptive. In summary, the available evidence is currently insufficient to determine the role of this variant in disease. Therefore, it has been classified as a Variant of Uncertain Significance.

Color Diagnostics, LLC DBA Color Health
Classification: Uncertain significance for Cardiac arrhythmia. Last evaluated: 2021-03-02. Review status: criteria provided, single submitter. Criteria: ACMG Guidelines, 2015. Collection method: clinical testing. Allele origin: germline.
Comment: This missense variant replaces arginine with serine at codon 885 of the KCNH2 protein. Computational prediction suggests that this variant may have deleterious impact on protein structure and function (internally defined REVEL score threshold >= 0.7, PMID: 27666373). To our knowledge, functional studies have not been reported for this variant. This variant has not been reported in individuals affected with cardiovascular disorders in the literature. This variant has been identified in 3/280856 chromosomes in the general population by the Genome Aggregation Database (gnomAD). The available evidence is insufficient to determine the role of this variant in disease conclusively. Therefore, this variant is classified as a Variant of Uncertain Significance.